The following is an entry in ClinVar:

ClinVar aggregate classification (germline): Uncertain significance. Review status: criteria provided, multiple submitters, no conflicts (2 of 4 stars). 3 submissions from 3 submitters: Uncertain significance (3). Last evaluated 2023-05-30.

Conditions:
Hereditary nonpolyposis colorectal neoplasms. Identifiers: MedGen C0009405, MeSH D003123.
Hereditary cancer-predisposing syndrome. Also called: Hereditary Cancer Syndrome; Neoplastic Syndromes, Hereditary; Tumor predisposition; Hereditary neoplastic syndrome. Identifiers: Orphanet 140162, MedGen C0027672, MeSH D009386, MONDO:0015356.
Endometrial carcinoma. Also called: Endometrial carcinoma, somatic. Identifiers: MedGen C0476089, MONDO:0002447, OMIM 608089, HP:0012114.

Submissions (3):

Baylor Genetics
Classification: Uncertain significance for Endometrial carcinoma. Last evaluated: 2023-05-30. Review status: criteria provided, single submitter. Criteria: ACMG Guidelines, 2015. Collection method: clinical testing. Allele origin: unknown.

Labcorp Genetics (formerly Invitae), Labcorp
Classification: Uncertain significance for Hereditary nonpolyposis colorectal neoplasms. Last evaluated: 2022-07-09. Review status: criteria provided, single submitter. Criteria: Invitae Variant Classification Sherloc (09022015). Collection method: clinical testing. Allele origin: germline.
Comment: This sequence change replaces glutamic acid, which is acidic and polar, with glutamine, which is neutral and polar, at codon 1052 of the MSH6 protein (p.Glu1052Gln). This variant is not present in population databases (gnomAD no frequency). This variant has not been reported in the literature in individuals affected with MSH6-related conditions. ClinVar contains an entry for this variant (Variation ID: 479924). Advanced modeling of protein sequence and biophysical properties (such as structural, functional, and spatial information, amino acid conservation, physicochemical variation, residue mobility, and thermodynamic stability) performed at Invitae indicates that this missense variant is not expected to disrupt MSH6 protein function. In summary, the available evidence is currently insufficient to determine the role of this variant in disease. Therefore, it has been classified as a Variant of Uncertain Significance.

Ambry Genetics
Classification: Uncertain significance for Hereditary cancer-predisposing syndrome. Last evaluated: 2016-08-29. Review status: criteria provided, single submitter. Criteria: Ambry Variant Classification Scheme 2023. Collection method: clinical testing. Allele origin: germline.
Comment: The p.E1052Q variant (also known as c.3154G>C), located in coding exon 4 of the MSH6 gene, results from a G to C substitution at nucleotide position 3154. The glutamic acid at codon 1052 is replaced by glutamine, an amino acid with highly similar properties. This variant was not reported in population based cohorts in the following databases: Database of Single Nucleotide Polymorphisms (dbSNP), NHLBI Exome Sequencing Project (ESP), and 1000 Genomes Project. In the ESP, this variant was not observed in 6490 samples (12980 alleles) with coverage at this position. To date, this alteration has been detected with an allele frequency of approximately 0.001% (greater than 150000 alleles tested) in our clinical cohort. This amino acid position is well conserved in available vertebrate species. In addition, the in silico prediction for this alteration is inconclusive. In addition, the CoDP in silico tool predicts this alteration to have minor impact on molecular function, with a score of 0.000 (Terui H et al. J. Biomed. Sci. 2013;20:25). Since supporting evidence is limited at this time, the clinical significance of this alteration remains unclear.

NM_000179.3(MSH6):c.3154G>C (p.Glu1052Gln)

Gene: MSH6 (mutS homolog 6; plus strand). Cytogenetic location: 2p16.3.
Variant type: single nucleotide variant.
Coding change: c.3154G>C on transcript NM_000179.3 (MANE Select); coding-DNA position 3154, G replaced by C.
Protein change: p.Glu1052Gln; replaces glutamic acid 1052 with glutamine.
Molecular consequence: missense variant.
Genome position (GRCh38, 1-based): chr2:47,801,137, G>C. VCF-style: chr2-47801137-G-C. GRCh37 (hg19) VCF-style: chr2-48028276-G-C.
Other names: c.2764G>C, p.Glu922Gln (NM_001281492.2); c.2248G>C, p.Glu750Gln (NM_001281493.2, NM_001281494.2); short protein forms E1052Q, E750Q, E922Q.
Identifiers: ClinVar variation 479924 (VCV000479924.11), dbSNP rs765763906, ClinGen allele CA346756715.